The following is an entry in ClinVar:

NM_002386.4(MC1R):c.617T>C (p.Leu206Pro)

Gene: MC1R (melanocortin 1 receptor; plus strand). Cytogenetic location: 16q24.3.
Variant type: single nucleotide variant.
Coding change: c.617T>C on transcript NM_002386.4 (MANE Select); coding-DNA position 617, T replaced by C.
Protein change: p.Leu206Pro; replaces leucine 206 with proline.
Molecular consequence: missense variant.
Genome position (GRCh38, 1-based): chr16:89,919,875, T>C. VCF-style: chr16-89919875-T-C. GRCh37 (hg19) VCF-style: chr16-89986283-T-C.
Other names: short protein forms L206P.
Identifiers: ClinVar variation 4806501 (VCV004806501.1).

ClinVar aggregate classification (germline): Uncertain significance (1 of 4 stars; one submission).

Conditions:
Melanoma, cutaneous malignant, susceptibility to, 5. Also called: Cutaneous malignant melanoma 5. Identifiers: Orphanet 618, MedGen C2751295, MONDO:0013133, OMIM 613099.

Submission:

Labcorp Genetics (formerly Invitae), Labcorp
Classification: Uncertain significance for Melanoma, cutaneous malignant, susceptibility to, 5. Last evaluated: 2025-02-03. Review status: criteria provided, single submitter. Criteria: Invitae Variant Classification Sherloc (09022015). Collection method: clinical testing. Allele origin: germline.
Comment: This sequence change replaces leucine, which is neutral and non-polar, with proline, which is neutral and non-polar, at codon 206 of the MC1R protein (p.Leu206Pro). This variant is present in population databases (rs377499038, gnomAD 0.01%). This variant has not been reported in the literature in individuals affected with MC1R-related conditions. Invitae Evidence Modeling of protein sequence and biophysical properties (such as structural, functional, and spatial information, amino acid conservation, physicochemical variation, residue mobility, and thermodynamic stability) indicates that this missense variant is expected to disrupt MC1R protein function with a positive predictive value of 80%. In summary, the available evidence is currently insufficient to determine the role of this variant in disease. Therefore, it has been classified as a Variant of Uncertain Significance.